The following is an entry in ClinVar:

ClinVar aggregate classification (germline): Uncertain significance. Review status: criteria provided, multiple submitters, no conflicts (2 of 4 stars). 3 submissions from 3 submitters: Uncertain significance (2). 1 of the submissions does not count toward it. Last evaluated 2023-09-03.

Conditions:
Hereditary breast ovarian cancer syndrome. Also called: Hereditary breast and ovarian cancer syndrome (HBOC); BRCA1- and BRCA2-Associated Hereditary Breast and Ovarian Cancer; Hereditary breast and/or ovarian cancer syndrome; Hereditary breast and ovarian cancer syndrome; Hereditary breast and ovarian cancer; Breast and ovarian cancer. Identifiers: Orphanet 145, MedGen C0677776, MeSH D061325, MONDO:0003582. Disease mechanism: loss of function.
Hereditary cancer-predisposing syndrome. Also called: Neoplastic Syndromes, Hereditary; Hereditary neoplastic syndrome; Tumor predisposition; Hereditary Cancer Syndrome. Identifiers: Orphanet 140162, MedGen C0027672, MeSH D009386, MONDO:0015356.
Breast-ovarian cancer, familial, susceptibility to, 1 (BROVCA1). Also called: BRCA1 Hereditary Breast and Ovarian Cancer; OVARIAN CANCER, SUSCEPTIBILITY TO. Identifiers: Orphanet 145, MedGen C2676676, MONDO:0011450, OMIM 604370. Disease mechanism: loss of function.

Submissions (3):

Labcorp Genetics (formerly Invitae), Labcorp
Classification: Uncertain significance for Hereditary breast ovarian cancer syndrome. Last evaluated: 2023-09-03. Review status: criteria provided, single submitter. Criteria: Invitae Variant Classification Sherloc (09022015). Collection method: clinical testing. Allele origin: germline.
Comment: In summary, the available evidence is currently insufficient to determine the role of this variant in disease. Therefore, it has been classified as a Variant of Uncertain Significance. Advanced modeling of protein sequence and biophysical properties (such as structural, functional, and spatial information, amino acid conservation, physicochemical variation, residue mobility, and thermodynamic stability) has been performed at Invitae for this missense variant, however the output from this modeling did not meet the statistical confidence thresholds required to predict the impact of this variant on BRCA1 protein function. This sequence change replaces glycine, which is neutral and non-polar, with valine, which is neutral and non-polar, at codon 1567 of the BRCA1 protein (p.Gly1567Val). This variant is not present in population databases (gnomAD no frequency). This variant has not been reported in the literature in individuals affected with BRCA1-related conditions. ClinVar contains an entry for this variant (Variation ID: 441380).

Ambry Genetics
Classification: Uncertain significance for Hereditary cancer-predisposing syndrome. Last evaluated: 2016-04-23. Review status: criteria provided, single submitter. Criteria: Ambry Variant Classification Scheme 2023. Collection method: clinical testing. Allele origin: germline.
Comment: The p.G1567V variant (also known as c.4700G>T), located in coding exon 14 of the BRCA1 gene, results from a G to T substitution at nucleotide position 4700. The glycine at codon 1567 is replaced by valine, an amino acid with dissimilar properties. This amino acid position is highly conserved in available vertebrate species. In addition, this alteration is predicted to be deleterious by in silico analysis. Since supporting evidence is limited at this time, the clinical significance of this alteration remains unclear.

KCCC/NGS Laboratory, Kuwait Cancer Control Center
Classification: Uncertain significance for Breast-ovarian cancer, familial, susceptibility to, 1. Last evaluated: 2023-05-05. Review status: no assertion criteria provided. Collection method: clinical testing. Allele origin: germline. Affected: yes. Not counted in ClinVar's aggregate classification.
Comment: A variant of uncertain significance was detected in the BRCA1 gene (c.4763G>T). This sequence change replaces glycine with valine at codon 1588 of the BRCA1 protein (p.Gly1588Val). The glycine residue is moderately conserved and there is a moderate physicochemical difference between glycine and valine. This variant is not present in population databases (gnomAD). This variant has not been reported in the literature in individuals with BRCA1-related conditions. ClinVar contains an entry for this variant (Variation ID: 441380). In-silico predictions show pathogenic (BayesDel_addAF, DANN, EIGEN, FATHMM-MKL, LIST-S2, M-CAP, MVP, MutationTaster and SIFT). In summary, the available evidence is currently insufficient to determine the role of this variant in disease. Therefore, it has been classified as a Variant of Uncertain Significance.

Literature cited by the submitters: PubMed 20104584 (cited by KCCC/NGS Laboratory, Kuwait Cancer Control Center).

NM_007294.4(BRCA1):c.4700G>T (p.Gly1567Val)

Gene: BRCA1 (BRCA1 DNA repair associated; minus strand). Cytogenetic location: 17q21.31.
Variant type: single nucleotide variant.
Coding change: c.4700G>T on transcript NM_007294.4 (MANE Select); coding-DNA position 4700, G replaced by T.
Protein change: p.Gly1567Val; replaces glycine 1567 with valine.
Molecular consequence: missense variant. On other transcripts: non-coding transcript variant (1).
Genome position (GRCh38, 1-based): chr17:43,071,214, C>A on the plus strand (G>T on the coding strand, the complement: BRCA1 is on the minus strand). VCF-style: chr17-43071214-C-A. GRCh37 (hg19) VCF-style: chr17-41223231-C-A.
Other names: c.4487G>T, p.Gly1496Val (NM_001407894.1, NM_001407895.1, NM_001407896.1 and 12 more transcripts); c.4577G>T, p.Gly1526Val (NM_001407919.1, NM_001407938.1, NM_001407664.1 and 6 more transcripts); c.4436G>T, p.Gly1479Val (NM_001407920.1, NM_001407921.1, NM_001407922.1 and 4 more transcripts); c.4433G>T, p.Gly1478Val (NM_001407927.1, NM_001407928.1, NM_001407929.1 and 4 more transcripts); c.4574G>T, p.Gly1525Val (NM_001407939.1, NM_001407940.1, NM_001407670.1 and 11 more transcripts); c.4571G>T, p.Gly1524Val (NM_001407941.1, NM_001407682.1, NM_001407683.1 and 6 more transcripts); c.4559G>T, p.Gly1520Val (NM_001407942.1, NM_007297.4, NM_001407727.1 and 13 more transcripts); c.4556G>T, p.Gly1519Val (NM_001407943.1, NM_001407944.1, NM_001407945.1 and 21 more transcripts); and 71 more; short protein forms G1567V, G463V, G1520V, G1588V, G1270V, G1455V, G1477V, G1478V.
Identifiers: ClinVar variation 441380 (VCV000441380.18), dbSNP rs1555581074, ClinGen allele CA10592109.